The following is an entry in ClinVar:

NM_001999.4(FBN2):c.3217+1G>A

Genes: FBN2 (fibrillin 2; minus strand), LOC126807501 (BRD4-independent group 4 enhancer GRCh37_chr5:127680731-127681930; plus strand). Cytogenetic location: 5q23.3.
Variant type: single nucleotide variant.
Coding change: c.3217+1G>A on transcript NM_001999.4 (MANE Select); the canonical splice donor site of the intron after coding-DNA position 3217, G replaced by A.
Molecular consequence: splice donor variant.
Genome position (GRCh38, 1-based): chr5:128,345,356, C>T on the plus strand (G>A on the coding strand, the complement: FBN2 is on the minus strand). VCF-style: chr5-128345356-C-T. GRCh37 (hg19) VCF-style: chr5-127681048-C-T.
Identifiers: ClinVar variation 1370248 (VCV001370248.6), dbSNP rs2126913719, ClinGen allele CA360762551.
Genomic context (GRCh38, chr5:128,345,356, plus strand): 5'-GAGAATGTGGAAGGCTTCCTGTTGGTGAAGAAGGACCAAGGCGCTGGCCGCAGGCAGTTA[C>T]CTTTGTAAAATGGCCGCCCAGTAAGAACATCCCCTCGGTTAGCAAAGCCAGCCCCGCGGG-3'

ClinVar aggregate classification (germline): Uncertain significance (1 of 4 stars; one submission).

Conditions:
Congenital contractural arachnodactyly (CCA). Also called: Beals-Hecht syndrome; BEALS SYNDROME; Arthrogryposis, distal, type 9. Identifiers: Orphanet 115, MedGen C0220668, MONDO:0007363, OMIM 121050.

Submission:

Labcorp Genetics (formerly Invitae), Labcorp
Classification: Uncertain significance for Congenital contractural arachnodactyly. Last evaluated: 2021-09-29. Review status: criteria provided, single submitter. Criteria: Invitae Variant Classification Sherloc (09022015). Collection method: clinical testing. Allele origin: germline.
Comment: In summary, the available evidence is currently insufficient to determine the role of this variant in disease. Therefore, it has been classified as a Variant of Uncertain Significance. Algorithms developed to predict the effect of sequence changes on RNA splicing suggest that this variant may disrupt the consensus splice site. This variant has not been reported in the literature in individuals affected with FBN2-related conditions. This variant is not present in population databases (ExAC no frequency). This sequence change affects a donor splice site in intron 24 of the FBN2 gene. It is expected to disrupt RNA splicing. Variants that disrupt the donor or acceptor splice site typically lead to a loss of protein function (PMID: 16199547), however the current clinical and genetic evidence is not sufficient to establish whether loss-of-function variants in FBN2 cause disease.

Literature cited by the submitters: PubMed 16199547.